The following is an entry in ClinVar:

ClinVar aggregate classification (germline): Uncertain significance. Review status: criteria provided, multiple submitters, no conflicts (2 of 4 stars). 2 submissions from 2 submitters: Uncertain significance (2). Last evaluated 2025-10-14.

Conditions:
Familial thoracic aortic aneurysm and aortic dissection (TAAD). Also called: Thoracic aortic aneurysms and dissections. Identifiers: Orphanet 91387, MedGen C4707243, MONDO:0019625.
Aortic aneurysm, familial thoracic 7 (AAT7). Also called: AORTIC DISSECTION, FAMILIAL, WITH OR WITHOUT AORTIC ANEURYSM. Identifiers: MedGen C3151077, MONDO:0013418, OMIM 613780.

Allele frequency attached by ClinVar (database versions not stated): gnomAD exomes below 0.00001 and 0.00001; ExAC 0.00001; 1000 Genomes Project 30x 0.00031; 1000 Genomes Project 0.00040.
gnomAD v4.1: 9 of 1,614,184 alleles (0.00056%); highest among the groups gnomAD compares: African/African-American, 0.0027%; no homozygotes.

Submissions (2):

Ambry Genetics
Classification: Uncertain significance for Familial thoracic aortic aneurysm and aortic dissection. Last evaluated: 2025-10-14. Review status: criteria provided, single submitter. Criteria: Ambry Variant Classification Scheme 2023. Collection method: clinical testing. Allele origin: germline.
Comment: The p.R78H variant (also known as c.233G>A), located in coding exon 2 of the MYLK gene, results from a G to A substitution at nucleotide position 233. The arginine at codon 78 is replaced by histidine, an amino acid with highly similar properties. This amino acid position is conserved. In addition, this alteration is predicted to be tolerated by in silico analysis. Since supporting evidence is limited at this time, the clinical significance of this alteration remains unclear.

Labcorp Genetics (formerly Invitae), Labcorp
Classification: Uncertain significance for Aortic aneurysm, familial thoracic 7. Last evaluated: 2025-01-13. Review status: criteria provided, single submitter. Criteria: Invitae Variant Classification Sherloc (09022015). Collection method: clinical testing. Allele origin: germline.
Comment: This sequence change replaces arginine, which is basic and polar, with histidine, which is basic and polar, at codon 78 of the MYLK protein (p.Arg78His). This variant is present in population databases (rs537615379, gnomAD 0.007%). This variant has not been reported in the literature in individuals affected with MYLK-related conditions. ClinVar contains an entry for this variant (Variation ID: 1431390). Invitae Evidence Modeling of protein sequence and biophysical properties (such as structural, functional, and spatial information, amino acid conservation, physicochemical variation, residue mobility, and thermodynamic stability) indicates that this missense variant is not expected to disrupt MYLK protein function with a negative predictive value of 95%. In summary, the available evidence is currently insufficient to determine the role of this variant in disease. Therefore, it has been classified as a Variant of Uncertain Significance.

NM_053025.4(MYLK):c.233G>A (p.Arg78His)

Gene: MYLK (myosin light chain kinase; minus strand). Cytogenetic location: 3q21.1.
Variant type: single nucleotide variant.
Coding change: c.233G>A on transcript NM_053025.4 (MANE Select); coding-DNA position 233, G replaced by A.
Protein change: p.Arg78His; replaces arginine 78 with histidine.
Molecular consequence: missense variant. On other transcripts: intron variant (1).
Genome position (GRCh38, 1-based): chr3:123,752,471, C>T on the plus strand (G>A on the coding strand, the complement: MYLK is on the minus strand). VCF-style: chr3-123752471-C-T. GRCh37 (hg19) VCF-style: chr3-123471318-C-T.
Other names: c.233G>A, p.Arg78His (NM_053026.4, NM_053027.4, NM_053028.4); c.-155-12470G>A (NM_001321309.2); c.233G>A (NM_053025.3); short protein forms R78H.
Identifiers: ClinVar variation 1431390 (VCV001431390.10), dbSNP rs537615379, ClinGen allele CA068722.